The following is an entry in ClinVar:

NM_003640.5(ELP1):c.626_627del (p.Val209fs)

Gene: ELP1 (elongator acetyltransferase complex subunit 1; minus strand). Cytogenetic location: 9q31.3.
Variant type: Microsatellite.
Coding change: c.626_627del on transcript NM_003640.5 (MANE Select); coding-DNA positions 626 to 627, 2 bases deleted (TG; older notation c.626_627delTG).
Protein change: p.Val209fs; shifts the reading frame from valine 209.
Molecular consequence: frameshift variant. On other transcripts: intron variant (1).
Genome position (GRCh38, 1-based): chr9:108,919,275-108,919,276, CA deleted on the plus strand (TG on the coding strand, the reverse complement: ELP1 is on the minus strand); deleting any 2 consecutive bases within chr9:108,919,275-108,919,278 gives the same sequence; the c. name uses the placement nearest the transcript's 3' end. VCF-style (leftmost placement, unchanged base first): chr9-108919274-TCA-T. GRCh37 (hg19) VCF-style: chr9-111681554-TCA-T.
Other names: c.284_285del, p.Val95fs (NM_001318360.2); c.-307-1606_-307-1605del (NM_001330749.2); short protein forms V209fs, V95fs.
Identifiers: ClinVar variation 2743619 (VCV002743619.3), dbSNP rs765038815, ClinGen allele CA5175290.

ClinVar aggregate classification (germline): Pathogenic (1 of 4 stars; one submission).

Submission:

Labcorp Genetics (formerly Invitae), Labcorp
Classification: Pathogenic. Last evaluated: 2023-07-16. Review status: criteria provided, single submitter. Criteria: Invitae Variant Classification Sherloc (09022015). Collection method: clinical testing. Allele origin: germline.
Comment: This sequence change creates a premature translational stop signal (p.Val209Glufs*26) in the ELP1 gene. It is expected to result in an absent or disrupted protein product. Loss-of-function variants in ELP1 are known to be pathogenic (PMID: 18303054, 24173031). This variant is present in population databases (rs765038815, gnomAD 0.003%). This variant has not been reported in the literature in individuals affected with ELP1-related conditions. Algorithms developed to predict the effect of sequence changes on RNA splicing suggest that this variant may create or strengthen a splice site. For these reasons, this variant has been classified as Pathogenic.

Literature cited by the submitters: PubMed 18303054; PubMed 24173031.